The following is an entry in ClinVar:

NM_001348716.2(KDM6B):c.2086G>A (p.Ala696Thr)

Gene: KDM6B (lysine demethylase 6B; plus strand). Cytogenetic location: 17p13.1.
Variant type: single nucleotide variant.
Coding change: c.2086G>A on transcript NM_001348716.2 (MANE Select); coding-DNA position 2086, G replaced by A.
Protein change: p.Ala696Thr; replaces alanine 696 with threonine.
Molecular consequence: missense variant.
Genome position (GRCh38, 1-based): chr17:7,848,374, G>A. VCF-style: chr17-7848374-G-A. GRCh37 (hg19) VCF-style: chr17-7751692-G-A.
Other names: c.2086G>A, p.Ala696Thr (NM_001080424.2); short protein forms A696T.
Identifiers: ClinVar variation 5008052 (VCV005008052.1).
Genomic context (GRCh38, chr17:7,848,374, plus strand): 5'-ACTCCGCTGGAGGACCAGTTTGAGGAGCCAGCCGAATTCAAGATCCTACCTGATGGGCTG[G>A]CCAACATCATGAAGATGCTGGACGAATCCATTCGCAAGGAAGAGGAACAGCAACAACACG-3'
Protein context (NP_001335645.1, residues 686-706): AEFKILPDGL[Ala696Thr]NIMKMLDESI

ClinVar aggregate classification (germline): Uncertain significance (1 of 4 stars; one submission).

gnomAD v4.1: 3 of 1,612,830 alleles (0.00019%); highest among the groups gnomAD compares: African/African-American, 0.0027%; no homozygotes.

Submission:

GeneDx
Classification: Uncertain significance. Last evaluated: 2026-02-25. Review status: criteria provided, single submitter. Criteria: GeneDx Variant Classification Process June 2021. Collection method: clinical testing. Allele origin: germline.
Comment: Not observed at significant frequency in large population cohorts (gnomAD); In silico analysis suggests that this missense variant does not alter protein structure/function; Has not been previously published as pathogenic or benign to our knowledge